The following is an entry in ClinVar:

ClinVar aggregate classification (germline): Uncertain significance (1 of 4 stars; one submission).

Conditions:
Cardiovascular phenotype. Identifiers: MedGen CN230736.

Submission:

Ambry Genetics
Classification: Uncertain significance for Cardiovascular phenotype. Last evaluated: 2026-07-04. Review status: criteria provided, single submitter. Criteria: Ambry Variant Classification Scheme 2023. Collection method: clinical testing. Allele origin: germline.
Comment: The p.C692F variant (also known as c.2075G>T), located in coding exon 13 of the CBL gene, results from a G to T substitution at nucleotide position 2075. The cysteine at codon 692 is replaced by phenylalanine, an amino acid with highly dissimilar properties. This amino acid position is conserved. In addition, this alteration is predicted to be tolerated by in silico analysis. Based on the available evidence, the clinical significance of this variant remains unclear.

NM_005188.4(CBL):c.2075G>T (p.Cys692Phe)

Gene: CBL (Cbl proto-oncogene; plus strand). Cytogenetic location: 11q23.3.
Variant type: single nucleotide variant.
Coding change: c.2075G>T on transcript NM_005188.4 (MANE Select); coding-DNA position 2075, G replaced by T.
Protein change: p.Cys692Phe; replaces cysteine 692 with phenylalanine.
Molecular consequence: missense variant.
Genome position (GRCh38, 1-based): chr11:119,296,956, G>T. VCF-style: chr11-119296956-G-T. GRCh37 (hg19) VCF-style: chr11-119167666-G-T.
Other names: short protein forms C692F.
Identifiers: ClinVar variation 5033731 (VCV005033731.1).